The following is an entry in ClinVar:

ClinVar aggregate classification (germline): Likely pathogenic (1 of 4 stars; one submission).

Conditions:
Jeune thoracic dystrophy. Also called: Short-rib thoracic dysplasia; Jeune syndrome; Infantile thoracic dystrophy; Thoracic pelvic phalangeal dystrophy; Jeune's syndrome; Chondroectodermal dysplasia-like syndrome. Identifiers: Orphanet 474, MedGen C0265275, MONDO:0018770.

Allele frequency attached by ClinVar (database versions not stated): gnomAD exomes below 0.00001; ExAC 0.00001; gnomAD 0.00001.
gnomAD v4.1: 3 of 1,611,628 alleles (0.00019%); highest among the groups gnomAD compares: South Asian, 0.0033%; no homozygotes.

Submission:

Labcorp Genetics (formerly Invitae), Labcorp
Classification: Likely pathogenic for Jeune thoracic dystrophy. Last evaluated: 2025-11-28. Review status: criteria provided, single submitter. Criteria: Invitae Variant Classification Sherloc (09022015). Collection method: clinical testing. Allele origin: germline.
Comment: This sequence change affects a donor splice site in intron 86 of the DYNC2H1 gene. It is expected to disrupt RNA splicing. Variants that disrupt the donor or acceptor splice site typically lead to a loss of protein function (PMID: 16199547), and loss-of-function variants in DYNC2H1 are known to be pathogenic (PMID: 23339108, 32753734, 33755199). This variant is present in population databases (rs778359687, gnomAD 0.007%). This variant has not been reported in the literature in individuals affected with DYNC2H1-related conditions. ClinVar contains an entry for this variant (Variation ID: 2821801). Algorithms developed to predict the effect of sequence changes on RNA splicing suggest that this variant may disrupt the consensus splice site. In summary, the currently available evidence indicates that the variant is pathogenic, but additional data are needed to prove that conclusively. Therefore, this variant has been classified as Likely Pathogenic.

Literature cited by the submitters: PubMed 16199547; PubMed 23339108; PubMed 32753734; PubMed 33755199.

NM_001377.3(DYNC2H1):c.12456+2T>C

Gene: DYNC2H1 (dynein cytoplasmic 2 heavy chain 1; plus strand). Cytogenetic location: 11q22.3.
Variant type: single nucleotide variant.
Coding change: c.12456+2T>C on transcript NM_001377.3 (MANE Select); the canonical splice donor site of the intron after coding-DNA position 12456, T replaced by C.
Molecular consequence: splice donor variant.
Genome position (GRCh38, 1-based): chr11:103,436,034, T>C. VCF-style: chr11-103436034-T-C. GRCh37 (hg19) VCF-style: chr11-103306762-T-C.
Other names: c.12477+2T>C (NM_001080463.2).
Identifiers: ClinVar variation 2821801 (VCV002821801.3), dbSNP rs778359687, ClinGen allele CA6255557.